The following is an entry in ClinVar:

ClinVar aggregate classification (germline): Uncertain significance (1 of 4 stars; one submission).

Submission:

Labcorp Genetics (formerly Invitae), Labcorp
Classification: Uncertain significance. Last evaluated: 2022-10-17. Review status: criteria provided, single submitter. Criteria: Invitae Variant Classification Sherloc (09022015). Collection method: clinical testing. Allele origin: germline.
Comment: This sequence change replaces tyrosine, which is neutral and polar, with histidine, which is basic and polar, at codon 400 of the COLGALT1 protein (p.Tyr400His). This variant is not present in population databases (gnomAD no frequency). In summary, the available evidence is currently insufficient to determine the role of this variant in disease. Therefore, it has been classified as a Variant of Uncertain Significance. Advanced modeling of protein sequence and biophysical properties (such as structural, functional, and spatial information, amino acid conservation, physicochemical variation, residue mobility, and thermodynamic stability) performed at Invitae indicates that this missense variant is expected to disrupt COLGALT1 protein function. This variant has not been reported in the literature in individuals affected with COLGALT1-related conditions.

NM_024656.4(COLGALT1):c.1198T>C (p.Tyr400His)

Gene: COLGALT1 (collagen beta(1-O)galactosyltransferase 1; plus strand). Cytogenetic location: 19p13.11.
Variant type: single nucleotide variant.
Coding change: c.1198T>C on transcript NM_024656.4 (MANE Select); coding-DNA position 1198, T replaced by C.
Protein change: p.Tyr400His; replaces tyrosine 400 with histidine.
Molecular consequence: missense variant.
Genome position (GRCh38, 1-based): chr19:17,578,021, T>C. VCF-style: chr19-17578021-T-C. GRCh37 (hg19) VCF-style: chr19-17688830-T-C.
Other names: short protein forms Y400H.
Identifiers: ClinVar variation 2013681 (VCV002013681.2), dbSNP rs2512894736, ClinGen allele CA404711670.